The following is an entry in ClinVar:

NM_001457.4(FLNB):c.4273A>G (p.Lys1425Glu)

Gene: FLNB (filamin B; plus strand). Cytogenetic location: 3p14.3.
Variant type: single nucleotide variant.
Coding change: c.4273A>G on transcript NM_001457.4 (MANE Select); coding-DNA position 4273, A replaced by G.
Protein change: p.Lys1425Glu; replaces lysine 1425 with glutamic acid.
Molecular consequence: missense variant.
Genome position (GRCh38, 1-based): chr3:58,130,791, A>G. VCF-style: chr3-58130791-A-G. GRCh37 (hg19) VCF-style: chr3-58116518-A-G.
Other names: c.4273A>G, p.Lys1425Glu (NM_001164317.2, NM_001164318.2, NM_001164319.2); short protein forms K1425E.
Identifiers: ClinVar variation 5019626 (VCV005019626.2).
Genomic context (GRCh38, chr3:58,130,791, plus strand): 5'-TCTCTTCCAGGCAGCCCCTTCAGGGTTCCTGTGAAGGATGTTGTGGACCCCAGCAAGGTC[A>G]AGATTGCCGGCCCCGGGCTGGGCTCAGGCGTCCGAGCCCGTGTCCTGCAGTCCTTCACGG-3'
Protein context (NP_001448.2, residues 1415-1435): VKDVVDPSKV[Lys1425Glu]IAGPGLGSGV

ClinVar aggregate classification (germline): Uncertain significance (1 of 4 stars; one submission).

Conditions:
Atelosteogenesis type III. Also called: Atelosteogenesis Type 3 (FLNB-AO3). Identifiers: Orphanet 56305, MedGen C3668942, MONDO:0007168, OMIM 108721.
Atelosteogenesis type I. Also called: Atelosteogenesis Type 1 (FLNB-AO1); SPONDYLOHUMEROFEMORAL HYPOPLASIA; GIANT CELL CHONDRODYSPLASIA. Identifiers: Orphanet 1190, MedGen C0265283, MONDO:0007167, OMIM 108720.
Boomerang dysplasia. Identifiers: Orphanet 1263, MedGen C0432201, MONDO:0007208, OMIM 112310.
Spondylocarpotarsal synostosis syndrome (SCT). Also called: Spondylocarpotarsal Synostosis Syndrome (FLNB-SCT); SPONDYLOCARPOTARSAL SYNDROME; VERTEBRAL FUSION WITH CARPAL COALITION; Synspondylism congenital; Scoliosis, congenital with unilateral unsegmented bar. Identifiers: Orphanet 3275, MedGen C1848934, MONDO:0010094, OMIM 272460.
Larsen syndrome (LRS). Also called: Larsen syndrome (FLNB-LS); Bilateral dislocation of the knees, pes cavus, cylindrically shaped fingers and characteristic facies. Identifiers: Orphanet 503, MedGen C0175778, MONDO:0007875, OMIM 150250. Disease mechanism: loss of function.

gnomAD v4.1: 1 of 1,613,956 alleles (0.000062%); highest among the groups gnomAD compares: Non-Finnish European, 0.000085%; no homozygotes.

Submission:

Juno Genomics, Hangzhou Juno Genomics, Inc
Classification: Uncertain significance for Atelosteogenesis type I; Atelosteogenesis type III; Boomerang dysplasia; Larsen syndrome; Spondylocarpotarsal synostosis syndrome. Review status: criteria provided, single submitter. Criteria: ACMG Guidelines, 2015. Collection method: clinical testing. Allele origin: germline.
Comment: Absent from controls (or at extremely low frequency if recessive) in Genome Aggregation Database.;Multiple lines of computational evidence support a deleterious effect on the gene or gene product.;Missense variant in a gene that has a low rate of benign missense variation.